The following is an entry in ClinVar:

ClinVar aggregate classification (germline): Pathogenic. Review status: criteria provided, multiple submitters, no conflicts (2 of 4 stars). 2 submissions from 2 submitters: Pathogenic (2). Last evaluated 2023-07-11.

Conditions:
Hereditary cancer-predisposing syndrome. Also called: Hereditary neoplastic syndrome; Tumor predisposition; Hereditary Cancer Syndrome; Neoplastic Syndromes, Hereditary. Identifiers: Orphanet 140162, MedGen C0027672, MeSH D009386, MONDO:0015356.
Familial cancer of breast. Also called: BREAST CANCER, FAMILIAL; hereditary breast carcinoma; Hereditary breast cancer. Identifiers: Orphanet 227535, MedGen C0346153, MONDO:0016419, OMIM 114480. Disease mechanism: loss of function.

Submissions (2):

Ambry Genetics
Classification: Pathogenic for Hereditary cancer-predisposing syndrome. Last evaluated: 2023-07-11. Review status: criteria provided, single submitter. Criteria: Ambry Variant Classification Scheme 2023. Collection method: clinical testing. Allele origin: germline.
Comment: The p.Y492* pathogenic mutation (also known as c.1476T>G), located in coding exon 6 of the BARD1 gene, results from a T to G substitution at nucleotide position 1476. This changes the amino acid from a tyrosine to a stop codon within coding exon 6. This variant is considered to be rare based on population cohorts in the Genome Aggregation Database (gnomAD). This alteration is expected to result in loss of function by premature protein truncation or nonsense-mediated mRNA decay. As such, this alteration is interpreted as a disease-causing mutation.

Myriad Genetics, Inc.
Classification: Pathogenic for Familial cancer of breast. Last evaluated: 2023-05-23. Review status: criteria provided, single submitter. Criteria: Myriad Autosomal Dominant, Autosomal Recessive and X-Linked Classification Criteria (2023). Collection method: clinical testing. Allele origin: unknown.
Comment: This variant is considered pathogenic. This variant creates a termination codon and is predicted to result in premature protein truncation.

NM_000465.4(BARD1):c.1476T>G (p.Tyr492Ter)

Gene: BARD1 (BRCA1 associated RING domain 1; minus strand). Cytogenetic location: 2q35.
Variant type: single nucleotide variant.
Coding change: c.1476T>G on transcript NM_000465.4 (MANE Select); coding-DNA position 1476, T replaced by G.
Protein change: p.Tyr492Ter; replaces tyrosine 492 with a stop codon.
Molecular consequence: nonsense. On other transcripts: non-coding transcript variant (3), intron variant (3).
Genome position (GRCh38, 1-based): chr2:214,767,574, A>C on the plus strand (T>G on the coding strand, the complement: BARD1 is on the minus strand). VCF-style: chr2-214767574-A-C. GRCh37 (hg19) VCF-style: chr2-215632298-A-C.
Other names: c.1419T>G, p.Tyr473Ter (NM_001282543.2); c.159-15019T>G (NM_001282548.2); c.216-15019T>G (NM_001282545.2); c.364+24723T>G (NM_001282549.2); c.1476T>G (NM_000465.2); short protein forms Y473*, Y492*.
Identifiers: ClinVar variation 2584245 (VCV002584245.3), dbSNP rs758190979, ClinGen allele CA350448454.